The following is an entry in ClinVar:

NM_015271.5(TRIM2):c.797C>A (p.Ser266Ter)

Gene: TRIM2 (tripartite motif containing 2; plus strand). Cytogenetic location: 4q31.3.
Variant type: single nucleotide variant.
Coding change: c.797C>A on transcript NM_015271.5 (MANE Select); coding-DNA position 797, C replaced by A.
Protein change: p.Ser266Ter; replaces serine 266 with a stop codon.
Molecular consequence: nonsense.
Genome position (GRCh38, 1-based): chr4:153,295,323, C>A. VCF-style: chr4-153295323-C-A. GRCh37 (hg19) VCF-style: chr4-154216475-C-A.
Other names: c.716C>A, p.Ser239Ter (NM_001130067.2, NM_001351056.2); c.770C>A, p.Ser257Ter (NM_001351054.2); c.767C>A, p.Ser256Ter (NM_001351055.2); c.341C>A, p.Ser114Ter (NM_001351057.2); short protein forms S239*, S114*, S256*, S257*, S266*.
Identifiers: ClinVar variation 580197 (VCV000580197.6), dbSNP rs746386202, ClinGen allele CA358472291.

ClinVar aggregate classification (germline): Uncertain significance (1 of 4 stars; one submission).

Conditions:
Charcot-Marie-Tooth disease type 2R. Also called: CHARCOT-MARIE-TOOTH NEUROPATHY, TYPE 2R; CHARCOT-MARIE-TOOTH DISEASE, AXONAL, AUTOSOMAL RECESSIVE, TYPE 2R; Charcot-Marie-Tooth disease, axonal, type 2R. Identifiers: Orphanet 397968, MedGen C3809655, MONDO:0014208, OMIM 615490.

gnomAD v4.1: 2 of 1,594,884 alleles (0.00013%); highest among the groups gnomAD compares: South Asian, 0.0011%; no homozygotes.

Submission:

Labcorp Genetics (formerly Invitae), Labcorp
Classification: Uncertain significance for Charcot-Marie-Tooth disease type 2R. Last evaluated: 2020-05-13. Review status: criteria provided, single submitter. Criteria: Invitae Variant Classification Sherloc (09022015). Collection method: clinical testing. Allele origin: germline.
Comment: In summary, the available evidence is currently insufficient to determine the role of this variant in disease. Therefore, it has been classified as a Variant of Uncertain Significance. The current clinical and genetic evidence is not sufficient to establish whether loss-of-function variants in TRIM2 cause disease. This variant has not been reported in the literature in individuals with TRIM2-related conditions. This variant is not present in population databases (ExAC no frequency). This sequence change creates a premature translational stop signal (p.Ser239*) in the TRIM2 gene. It is expected to result in an absent or disrupted protein product.